The following is an entry in ClinVar:

ClinVar aggregate classification (germline): Uncertain significance (1 of 4 stars; one submission).

Conditions:
Periventricular heterotopia with microcephaly, autosomal recessive (ARPHM). Also called: PERIVENTRICULAR NODULAR HETEROTOPIA 2; Periventricular heterotopia with microcephaly. Identifiers: Orphanet 2149, MedGen C1842563, MONDO:0011966, OMIM 608097.

gnomAD v4.1: 8 of 1,578,744 alleles (0.00051%); highest among the groups gnomAD compares: African/African-American, 0.0013%; no homozygotes.

Submission:

Daryl Scott Lab, Baylor College of Medicine
Classification: Uncertain significance for Periventricular heterotopia with microcephaly, autosomal recessive. Last evaluated: 2024-01-01. Review status: criteria provided, single submitter. Criteria: ACMG Guidelines, 2015. Collection method: clinical testing. Allele origin: maternal. Observed: 1 heterozygote.
Comment: PM2

NM_006420.3(ARFGEF2):c.89C>T (p.Ser30Phe)

Gene: ARFGEF2 (ARF guanine nucleotide exchange factor 2; plus strand). Cytogenetic location: 20q13.13.
Variant type: single nucleotide variant.
Coding change: c.89C>T on transcript NM_006420.3 (MANE Select); coding-DNA position 89, C replaced by T.
Protein change: p.Ser30Phe; replaces serine 30 with phenylalanine.
Molecular consequence: missense variant.
Genome position (GRCh38, 1-based): chr20:48,921,978, C>T. VCF-style: chr20-48921978-C-T. GRCh37 (hg19) VCF-style: chr20-47538515-C-T.
Other names: c.89C>T, p.Ser30Phe (NM_001410846.1); short protein forms S30F.
Identifiers: ClinVar variation 3764605 (VCV003764605.1).